The following is an entry in ClinVar:

NM_025099.6(CTC1):c.3440C>G (p.Thr1147Ser)

Gene: CTC1 (CST telomere replication complex component 1; minus strand). Cytogenetic location: 17p13.1.
Variant type: single nucleotide variant.
Coding change: c.3440C>G on transcript NM_025099.6 (MANE Select); coding-DNA position 3440, C replaced by G.
Protein change: p.Thr1147Ser; replaces threonine 1147 with serine.
Molecular consequence: missense variant. On other transcripts: non-coding transcript variant (1).
Genome position (GRCh38, 1-based): chr17:8,228,577, G>C on the plus strand (C>G on the coding strand, the complement: CTC1 is on the minus strand). VCF-style: chr17-8228577-G-C. GRCh37 (hg19) VCF-style: chr17-8131895-G-C.
Other names: short protein forms T1147S.
Identifiers: ClinVar variation 1382648 (VCV001382648.8), dbSNP rs771446414, ClinGen allele CA8371771.

ClinVar aggregate classification (germline): Uncertain significance (1 of 4 stars; one submission).

Conditions:
Dyskeratosis congenita. Identifiers: Orphanet 1775, MedGen C0265965, MONDO:0015780.

Allele frequency attached by ClinVar (database versions not stated): ExAC 0.00001.
gnomAD v4.1: 11 of 1,614,188 alleles (0.00068%); highest among the groups gnomAD compares: East Asian, 0.0022%; no homozygotes.

Submission:

Labcorp Genetics (formerly Invitae), Labcorp
Classification: Uncertain significance for Dyskeratosis congenita. Last evaluated: 2021-06-17. Review status: criteria provided, single submitter. Criteria: Invitae Variant Classification Sherloc (09022015). Collection method: clinical testing. Allele origin: germline.
Comment: Algorithms developed to predict the effect of missense changes on protein structure and function output the following: SIFT: "Tolerated"; PolyPhen-2: "Benign"; Align-GVGD: "Class C0". The serine amino acid residue is found in multiple mammalian species, suggesting that this missense change does not adversely affect protein function. These predictions have not been confirmed by published functional studies and their clinical significance is uncertain. In summary, the available evidence is currently insufficient to determine the role of this variant in disease. Therefore, it has been classified as a Variant of Uncertain Significance. Algorithms developed to predict the effect of sequence changes on RNA splicing suggest that this variant may create or strengthen a splice site, but this prediction has not been confirmed by published transcriptional studies. This variant has not been reported in the literature in individuals with CTC1-related conditions. This variant is present in population databases (rs771446414, ExAC 0.001%). This sequence change replaces threonine with serine at codon 1147 of the CTC1 protein (p.Thr1147Ser). The threonine residue is highly conserved and there is a small physicochemical difference between threonine and serine.